The following is an entry in ClinVar:

ClinVar aggregate classification (germline): Uncertain significance (1 of 4 stars; one submission).

Submission:

Labcorp Genetics (formerly Invitae), Labcorp
Classification: Uncertain significance. Last evaluated: 2022-03-29. Review status: criteria provided, single submitter. Criteria: Invitae Variant Classification Sherloc (09022015). Collection method: clinical testing. Allele origin: germline.
Comment: This sequence change replaces glutamine, which is neutral and polar, with histidine, which is basic and polar, at codon 402 of the COL9A2 protein (p.Gln402His). This variant is not present in population databases (gnomAD no frequency). This variant has not been reported in the literature in individuals affected with COL9A2-related conditions. Advanced modeling of protein sequence and biophysical properties (such as structural, functional, and spatial information, amino acid conservation, physicochemical variation, residue mobility, and thermodynamic stability) performed at Invitae indicates that this missense variant is not expected to disrupt COL9A2 protein function. In summary, the available evidence is currently insufficient to determine the role of this variant in disease. Therefore, it has been classified as a Variant of Uncertain Significance.

NM_001852.4(COL9A2):c.1206G>C (p.Gln402His)

Gene: COL9A2 (collagen type IX alpha 2 chain; minus strand). Cytogenetic location: 1p34.2.
Variant type: single nucleotide variant.
Coding change: c.1206G>C on transcript NM_001852.4 (MANE Select); coding-DNA position 1206, G replaced by C.
Protein change: p.Gln402His; replaces glutamine 402 with histidine.
Molecular consequence: missense variant.
Genome position (GRCh38, 1-based): chr1:40,304,485, C>G on the plus strand (G>C on the coding strand, the complement: COL9A2 is on the minus strand). VCF-style: chr1-40304485-C-G. GRCh37 (hg19) VCF-style: chr1-40770157-C-G.
Other names: short protein forms Q402H.
Identifiers: ClinVar variation 2119319 (VCV002119319.4), dbSNP rs2522499836, ClinGen allele CA339881851.